The following is an entry in ClinVar:

ClinVar aggregate classification (germline): Uncertain significance (1 of 4 stars; one submission).

gnomAD v4.1: 13 of 1,613,766 alleles (0.00081%); highest among the groups gnomAD compares: East Asian, 0.0022%; no homozygotes.

Submission:

Labcorp Genetics (formerly Invitae), Labcorp
Classification: Uncertain significance. Last evaluated: 2025-07-14. Review status: criteria provided, single submitter. Criteria: Invitae Variant Classification Sherloc (09022015). Collection method: clinical testing. Allele origin: germline.
Comment: This sequence change falls in intron 7 of the FLNB gene. It does not directly change the encoded amino acid sequence of the FLNB protein. It affects a nucleotide within the consensus splice site. This variant is present in population databases (no rsID available, gnomAD 0.003%). This variant has not been reported in the literature in individuals affected with FLNB-related conditions. ClinVar contains an entry for this variant (Variation ID: 2735351). Variants that disrupt the consensus splice site are a relatively common cause of aberrant splicing (PMID: 17576681, 9536098). Algorithms developed to predict the effect of sequence changes on RNA splicing suggest that this variant is not likely to affect RNA splicing. In summary, the available evidence is currently insufficient to determine the role of this variant in disease. Therefore, it has been classified as a Variant of Uncertain Significance.

Literature cited by the submitters: PubMed 17576681; PubMed 9536098.

NM_001457.4(FLNB):c.1147+5C>T

Gene: FLNB (filamin B; plus strand). Cytogenetic location: 3p14.3.
Variant type: single nucleotide variant.
Coding change: c.1147+5C>T on transcript NM_001457.4 (MANE Select); 5 bases into the intron after coding-DNA position 1147, C replaced by T.
Molecular consequence: intron variant.
Genome position (GRCh38, 1-based): chr3:58,097,982, C>T. VCF-style: chr3-58097982-C-T. GRCh37 (hg19) VCF-style: chr3-58083709-C-T.
Other names: c.1147+5C>T (NM_001164317.2, NM_001164318.2, NM_001164319.2).
Identifiers: ClinVar variation 2735351 (VCV002735351.3), dbSNP rs1251528929, ClinGen allele CA543532105.